The following is an entry in ClinVar:

ClinVar aggregate classification (germline): Uncertain significance (1 of 4 stars; one submission).

gnomAD v4.1: 5 of 1,613,990 alleles (0.00031%); highest among the groups gnomAD compares: Non-Finnish European, 0.00042%; no homozygotes.

Submission:

GeneDx
Classification: Uncertain significance. Last evaluated: 2025-12-08. Review status: criteria provided, single submitter. Criteria: GeneDx Variant Classification Process June 2021. Collection method: clinical testing. Allele origin: germline.
Comment: Not observed at significant frequency in large population cohorts (gnomAD); In silico analysis supports that this missense variant has a deleterious effect on protein structure/function; Has not been previously published as pathogenic or benign to our knowledge

NM_144973.4(DENND5B):c.2069A>G (p.His690Arg)

Gene: DENND5B (DENN domain containing 5B; minus strand). Cytogenetic location: 12p11.21.
Variant type: single nucleotide variant.
Coding change: c.2069A>G on transcript NM_144973.4 (MANE Select); coding-DNA position 2069, A replaced by G.
Protein change: p.His690Arg; replaces histidine 690 with arginine.
Molecular consequence: missense variant.
Genome position (GRCh38, 1-based): chr12:31,433,192, T>C on the plus strand (A>G on the coding strand, the complement: DENND5B is on the minus strand). VCF-style: chr12-31433192-T-C. GRCh37 (hg19) VCF-style: chr12-31586126-T-C.
Other names: c.2174A>G, p.His725Arg (NM_001308339.2); c.2135A>G, p.His712Arg (NM_001366890.1); short protein forms H690R, H712R, H725R.
Identifiers: ClinVar variation 3731148 (VCV003731148.2).
Genomic context (GRCh38, chr12:31,433,192, plus strand): 5'-CCCCAGGAAGGTAGACCACATACCTCCCTCAAGTCGTTGTCCAGCCCAACATGCTCAGAA[T>C]GCTGGCGAAGGCGTTCTTTCCTGCGCTGTGCAGTGGCACTCCGACTTACCCAGCGACTGA-3'
Protein context (NP_659410.3, residues 680-700): AQRRKERLRQ[His690Arg]SEHVGLDNDL